The following is an entry in ClinVar:

ClinVar aggregate classification (germline): Uncertain significance. Review status: criteria provided, multiple submitters, no conflicts (2 of 4 stars). 2 submissions from 2 submitters: Uncertain significance (2). Last evaluated 2025-07-30.

Conditions:
Amyotrophic lateral sclerosis type 21. Also called: VOCAL CORD AND PHARYNGEAL DYSFUNCTION WITH DISTAL MYOPATHY; MYOPATHY, DISTAL, 2. Identifiers: Orphanet 600, Orphanet 803, MedGen C3807521, MONDO:0011632, OMIM 606070.

Submissions (2):

Labcorp Genetics (formerly Invitae), Labcorp
Classification: Uncertain significance for Amyotrophic lateral sclerosis type 21. Last evaluated: 2025-07-30. Review status: criteria provided, single submitter. Criteria: Invitae Variant Classification Sherloc (09022015). Collection method: clinical testing. Allele origin: germline.
Comment: This variant, c.967_969del, results in the deletion of 1 amino acid(s) of the MATR3 protein (p.Leu323del), but otherwise preserves the integrity of the reading frame. This variant is present in population databases (rs750077737, gnomAD 0.0009%). This variant has not been reported in the literature in individuals affected with MATR3-related conditions. ClinVar contains an entry for this variant (Variation ID: 1306016). Experimental studies and prediction algorithms are not available or were not evaluated, and the functional significance of this variant is currently unknown. In summary, the available evidence is currently insufficient to determine the role of this variant in disease. Therefore, it has been classified as a Variant of Uncertain Significance.

GeneDx
Classification: Uncertain significance. Last evaluated: 2019-06-03. Review status: criteria provided, single submitter. Criteria: GeneDx Variant Classification Process June 2021. Collection method: clinical testing. Allele origin: germline. Affected: yes.
Comment: In silico analysis, which includes protein predictors and evolutionary conservation, supports that this variant does not alter protein structure/function; Has not been previously published as pathogenic or benign to our knowledge

NM_018834.6(MATR3):c.961CTT[2] (p.Leu323del)

Gene: MATR3 (matrin 3; plus strand). Cytogenetic location: 5q31.2.
Variant type: Microsatellite.
Coding change: c.961CTT[2] on transcript NM_018834.6 (MANE Select); two copies in a row of the 3-base unit CTT starting at c.961; the reference has three copies in a row; one copy, 3 bases deleted.
Protein change: p.Leu323del; deletes leucine 323.
Molecular consequence: inframe deletion. On other transcripts: 5 prime UTR variant (1).
Genome position (GRCh38, 1-based): chr5:139,314,729-139,314,731, CTT deleted; deleting any 3 consecutive bases within chr5:139,314,723-139,314,731 gives the same sequence; the position shown is the placement nearest the transcript's 3' end. VCF-style (leftmost placement, unchanged base first): chr5-139314722-GCTT-G. GRCh37 (hg19) VCF-style: chr5-138650411-GCTT-G.
Other names: c.961CTT[2], p.Leu323del (NM_001194954.2, NM_001194955.2, NM_199189.3); c.97CTT[2], p.Leu35del (NM_001194956.2); c.-54CTT[2] (NM_001282278.2); short protein forms L323del, L35del.
Identifiers: ClinVar variation 1306016 (VCV001306016.3), dbSNP rs750077737, ClinGen allele CA3432972.
Genomic context (GRCh38, chr5:139,314,722, plus strand): 5'-TACTTTGCTGCAGGAGTGGAGTCAACATATCAATGGAGCAAGTCACAGTCGTCGATGCCA[GCTT>G]CTTCTTGAAATGTAGGAGTTTGAAATACCTTTAAAACATCCTTATCGTGAATCAGAATCA-3'